The following is an entry in ClinVar:

ClinVar aggregate classification (germline): Uncertain significance (1 of 4 stars; one submission).

Submission:

Labcorp Genetics (formerly Invitae), Labcorp
Classification: Uncertain significance. Last evaluated: 2022-04-12. Review status: criteria provided, single submitter. Criteria: Invitae Variant Classification Sherloc (09022015). Collection method: clinical testing. Allele origin: germline.
Comment: This variant has not been reported in the literature in individuals affected with RPS6KC1-related conditions. Algorithms developed to predict the effect of missense changes on protein structure and function are either unavailable or do not agree on the potential impact of this missense change (SIFT: "Tolerated"; PolyPhen-2: "Probably Damaging"; Align-GVGD: "Class C0"). In summary, the available evidence is currently insufficient to determine the role of this variant in disease. Therefore, it has been classified as a Variant of Uncertain Significance. This variant is not present in population databases (gnomAD no frequency). This sequence change replaces asparagine, which is neutral and polar, with aspartic acid, which is acidic and polar, at codon 41 of the RPS6KC1 protein (p.Asn41Asp).

NM_012424.6(RPS6KC1):c.121A>G (p.Asn41Asp)

Gene: RPS6KC1 (ribosomal protein S6 kinase C1; plus strand). Cytogenetic location: 1q32.3.
Variant type: single nucleotide variant.
Coding change: c.121A>G on transcript NM_012424.6 (MANE Select); coding-DNA position 121, A replaced by G.
Protein change: p.Asn41Asp; replaces asparagine 41 with aspartic acid.
Molecular consequence: missense variant. On other transcripts: 5 prime UTR variant (26), non-coding transcript variant (3), intron variant (2).
Genome position (GRCh38, 1-based): chr1:213,071,021, A>G. VCF-style: chr1-213071021-A-G. GRCh37 (hg19) VCF-style: chr1-213244363-A-G.
Other names: c.-501A>G (NM_001287218.3, NM_001349653.2); c.-540A>G (NM_001287219.3, NM_001349649.2); c.-1094A>G (NM_001287220.3); c.-302A>G (NM_001287221.3); c.121A>G, p.Asn41Asp (NM_001349646.2, NM_001349647.2); c.-492A>G (NM_001349648.2); c.-618A>G (NM_001349650.2, NM_001349654.2); c.-739A>G (NM_001349651.2); and 17 more; short protein forms N41D.
Identifiers: ClinVar variation 2115323 (VCV002115323.4), dbSNP rs2545540144, ClinGen allele CA344798490.
Genomic context (GRCh38, chr1:213,071,021, plus strand): 5'-AAATTTTGATAATGATTAGAGATTTCTATGTATGTTTTGTTTTAGGTTGTTTCACGAAGA[A>G]ATCCAGAGGATGTCCAGGAGGTAACATTTATATGAAGATTTTATTTTATGTATTTGATAA-3'
Protein context (NP_036556.2, residues 31-51): KVTARVVSRR[Asn41Asp]PEDVQEIIVW